The following is an entry in ClinVar:

Single allele

Gene: AUTS2 (activator of transcription and developmental regulator AUTS2; plus strand). Cytogenetic location: 7q11.22.
Variant type: Duplication.
Identifiers: ClinVar variation 560124 (VCV000560124.3).

ClinVar aggregate classification (germline): Uncertain significance (1 of 4 stars; one submission).

Submission:

Geisinger Autism and Developmental Medicine Institute, Geisinger Health System
Classification: Uncertain significance. Last evaluated: 2018-03-28. Review status: criteria provided, single submitter. Criteria: ACMG CNV Guidelines, 2011. Collection method: provider interpretation. Allele origin: unknown.
Comment: Parental testing was not completed. This deletion included a portion of the gene AUTS2. Additionally, a variant of uncertain significance in the LRRC7 gene was identified through whole exome sequencing. The clinical significance of this duplication remains unclear at this time.

Literature cited by the submitters: PubMed 25205402; PubMed 28505103; PubMed 25519132; PubMed 24459036.